The following is an entry in ClinVar:

ClinVar aggregate classification (germline): Uncertain significance (1 of 4 stars; one submission).

Submission:

Labcorp Genetics (formerly Invitae), Labcorp
Classification: Uncertain significance. Last evaluated: 2022-05-06. Review status: criteria provided, single submitter. Criteria: Invitae Variant Classification Sherloc (09022015). Collection method: clinical testing. Allele origin: germline.
Comment: This sequence change falls in intron 6 of the CDH23 gene. It does not directly change the encoded amino acid sequence of the CDH23 protein. Information on the frequency of this variant in the gnomAD database is not available, as this variant may be reported differently in the database. This variant has not been reported in the literature in individuals affected with CDH23-related conditions. Experimental studies and prediction algorithms are not available or were not evaluated, and the effect of this variant on mRNA splicing is currently unknown. In summary, the available evidence is currently insufficient to determine the role of this variant in disease. Therefore, it has been classified as a Variant of Uncertain Significance.

NM_022124.6(CDH23):c.429+12_429+13inv

Genes: CDH23 (cadherin related 23; plus strand), CDH23-AS1 (CDH23 antisense RNA 1; minus strand). Cytogenetic location: 10q22.1.
Variant type: Inversion.
Coding change: c.429+12_429+13inv on transcript NM_022124.6 (MANE Select).
Molecular consequence: intron variant.
Genome position: GRCh38 VCF-style: chr10-71511224-TG-CA. GRCh37 (hg19) VCF-style: chr10-73270981-TG-CA.
Other names: c.429+12_429+13inv (NM_001171930.2, NM_001171931.2, NM_052836.4 and 1 more transcripts).
Identifiers: ClinVar variation 1944004 (VCV001944004.2), ClinGen allele CA2580081822.